The following is an entry in ClinVar:

ClinVar aggregate classification (germline): Likely benign. Review status: criteria provided, multiple submitters, no conflicts (2 of 4 stars). 2 submissions from 2 submitters: Likely benign (2). Last evaluated 2024-12-12.

Conditions:
COL1A1-related disorder. Also called: COL1A1-related condition; COL1A1- related disease.
Cardiovascular phenotype. Identifiers: MedGen CN230736.

Submissions (2):

PreventionGenetics, part of Exact Sciences
Classification: Likely benign for COL1A1-related condition. Last evaluated: 2024-12-12. Review status: criteria provided, single submitter. Criteria: ACMG Guidelines, 2015. Collection method: clinical testing. Allele origin: germline.
Comment: This variant is classified as likely benign based on ACMG/AMP sequence variant interpretation guidelines (Richards et al. 2015 PMID: 25741868, with internal and published modifications).

Ambry Genetics
Classification: Likely benign for Cardiovascular phenotype. Last evaluated: 2020-10-06. Review status: criteria provided, single submitter. Criteria: Ambry Variant Classification Scheme 2023. Collection method: clinical testing. Allele origin: germline.

NM_000088.4(COL1A1):c.4029C>A (p.Ser1343=)

Gene: COL1A1 (collagen type I alpha 1 chain; minus strand). Cytogenetic location: 17q21.33.
Variant type: single nucleotide variant.
Coding change: c.4029C>A on transcript NM_000088.4 (MANE Select); coding-DNA position 4029, C replaced by A.
Protein change: p.Ser1343=; no amino-acid change (serine 1343 retained).
Molecular consequence: synonymous variant.
Genome position (GRCh38, 1-based): chr17:50,185,997, G>T on the plus strand (C>A on the coding strand, the complement: COL1A1 is on the minus strand). VCF-style: chr17-50185997-G-T. GRCh37 (hg19) VCF-style: chr17-48263358-G-T.
Identifiers: ClinVar variation 1737164 (VCV001737164.3), dbSNP rs770279565, ClinGen allele CA500991874.